The following is an entry in ClinVar:

NM_025132.4(WDR19):c.3483+5G>A

Gene: WDR19 (WD repeat domain 19; plus strand). Cytogenetic location: 4p14.
Variant type: single nucleotide variant.
Coding change: c.3483+5G>A on transcript NM_025132.4 (MANE Select); 5 bases into the intron after coding-DNA position 3483, G replaced by A.
Molecular consequence: intron variant.
Genome position (GRCh38, 1-based): chr4:39,270,105, G>A. VCF-style: chr4-39270105-G-A. GRCh37 (hg19) VCF-style: chr4-39271725-G-A.
Other names: c.3003+5G>A (NM_001317924.2).
Identifiers: ClinVar variation 900966 (VCV000900966.15), dbSNP rs201216969, ClinGen allele CA2892379.

ClinVar aggregate classification (germline): Uncertain significance. Review status: criteria provided, multiple submitters, no conflicts (2 of 4 stars). 7 submissions from 6 submitters: Uncertain significance (7). Last evaluated 2024-03-14.

Conditions:
WDR19-related disorder. Also called: WDR19-related condition; WDR19-related disorders. Identifiers: MedGen CN380161.
Connective tissue disorder. Also called: Connective tissue disease. Identifiers: MedGen C0009782, MONDO:0003900.
Cranioectodermal dysplasia 4 (CED4). Identifiers: Orphanet 1515, MedGen C3280616, MONDO:0013719, OMIM 614378.
Asphyxiating thoracic dystrophy 5 (SRTD5). Also called: SHORT-RIB THORACIC DYSPLASIA 5 WITH OR WITHOUT POLYDACTYLY; SHORT-RIB THORACIC DYSPLASIA 5 WITHOUT POLYDACTYLY. Identifiers: Orphanet 474, MedGen C3280598, MONDO:0013717, OMIM 614376.
Senior-Loken syndrome 8 (SLSN8). Identifiers: Orphanet 3156, MedGen C4225376, MONDO:0014579, OMIM 616307.
Spermatogenic failure 72 (SPGF72). Identifiers: MedGen C5676980, MONDO:0030809, OMIM 619867.
Nephronophthisis 13 (NPHP13). Identifiers: Orphanet 655, MedGen C3280612, MONDO:0013718, OMIM 614377.

Allele frequency attached by ClinVar (database versions not stated): ExAC 0.00008; ESP Exome Variant Server 0.00008; gnomAD 0.00013; gnomAD exomes 0.00013 and 0.00026; TOPMed 0.00017.
gnomAD v4.1: 405 of 1,613,288 alleles (0.025%); highest among the groups gnomAD compares: Non-Finnish European, 0.032%; no homozygotes.

Submissions (7):

Blueprint Genetics
Classification: Uncertain significance. Last evaluated: 2024-03-14. Review status: criteria provided, single submitter. Criteria: ACMG Guidelines, 2015. Collection method: clinical testing. Allele origin: germline.

Labcorp Genetics (formerly Invitae), Labcorp
Classification: Uncertain significance for Senior-Loken syndrome 8; Asphyxiating thoracic dystrophy 5. Last evaluated: 2024-01-30. Review status: criteria provided, single submitter. Criteria: Invitae Variant Classification Sherloc (09022015). Collection method: clinical testing. Allele origin: germline.
Comment: This sequence change falls in intron 31 of the WDR19 gene. It does not directly change the encoded amino acid sequence of the WDR19 protein. It affects a nucleotide within the consensus splice site. This variant is present in population databases (rs201216969, gnomAD 0.02%). This variant has been observed in individual(s) with WDR19-related conditions (PMID: 32483926). ClinVar contains an entry for this variant (Variation ID: 900966). Variants that disrupt the consensus splice site are a relatively common cause of aberrant splicing (PMID: 17576681, 9536098). Algorithms developed to predict the effect of sequence changes on RNA splicing suggest that this variant may disrupt the consensus splice site. In summary, the available evidence is currently insufficient to determine the role of this variant in disease. Therefore, it has been classified as a Variant of Uncertain Significance.

PreventionGenetics, part of Exact Sciences
Classification: Uncertain significance for WDR19-related condition. Last evaluated: 2023-04-30. Review status: criteria provided, single submitter. Criteria: ACMG Guidelines, 2015. Collection method: clinical testing. Allele origin: germline.
Comment: The WDR19 c.3483+5G>A variant is predicted to interfere with splicing. This variant is predicted to weaken the adjacent splice donor site based on available splicing prediction programs (Alamut Visual Plus v1.6.1). However, such computer prediction programs are imperfect. This variant was reported in a study of individuals with inherited retinal and optic nerve disorders, however additional information was not provided (Table S12, Diñeiro et al. 2020. PubMed ID: 32483926). This variant is reported in 0.023% of alleles in individuals of European (Non-Finnish) descent in gnomAD. At this time, the clinical significance of this variant is uncertain due to the absence of conclusive functional and genetic evidence.

Fulgent Genetics
Classification: Uncertain significance for Asphyxiating thoracic dystrophy 5; Nephronophthisis 13; Cranioectodermal dysplasia 4; Senior-Loken syndrome 8; Spermatogenic failure 72. Last evaluated: 2022-03-16. Review status: criteria provided, single submitter. Criteria: ACMG Guidelines, 2015. Collection method: clinical testing. Allele origin: unknown.

Genome Diagnostics Laboratory, The Hospital for Sick Children
Classification: Uncertain significance for Connective tissue disorder. Last evaluated: 2019-08-01. Review status: criteria provided, single submitter. Criteria: ACMG Guidelines, 2015. Collection method: clinical testing. Allele origin: germline.

Illumina Laboratory Services, Illumina
Classification: Uncertain significance for Cranioectodermal dysplasia 4. Last evaluated: 2018-01-13. Review status: criteria provided, single submitter. Criteria: ICSL Variant Classification Criteria 13 December 2019. Collection method: clinical testing. Allele origin: germline.

Illumina Laboratory Services, Illumina
Classification: Uncertain significance for Asphyxiating thoracic dystrophy 5. Last evaluated: 2018-01-13. Review status: criteria provided, single submitter. Criteria: ICSL Variant Classification Criteria 13 December 2019. Collection method: clinical testing. Allele origin: germline.

Literature cited by the submitters: PubMed 32483926 (cited by Labcorp Genetics (formerly Invitae), Labcorp); PubMed 17576681 (cited by Labcorp Genetics (formerly Invitae), Labcorp); PubMed 9536098 (cited by Labcorp Genetics (formerly Invitae), Labcorp).